The following is an entry in ClinVar:

NM_000246.4(CIITA):c.616G>A (p.Asp206Asn)

Gene: CIITA (class II major histocompatibility complex transactivator; plus strand). Cytogenetic location: 16p13.13.
Variant type: single nucleotide variant.
Coding change: c.616G>A on transcript NM_000246.4 (MANE Select); coding-DNA position 616, G replaced by A.
Protein change: p.Asp206Asn; replaces aspartic acid 206 with asparagine.
Molecular consequence: missense variant. On other transcripts: non-coding transcript variant (1), intron variant (3).
Genome position (GRCh38, 1-based): chr16:10,902,172, G>A. VCF-style: chr16-10902172-G-A. GRCh37 (hg19) VCF-style: chr16-10996029-G-A.
Other names: c.619G>A, p.Asp207Asn (NM_001286402.1, NM_001379332.1); c.616G>A, p.Asp206Asn (NM_001379333.1); c.547G>A, p.Asp183Asn (NM_001379334.1); c.485-486G>A (NM_001379330.1); c.482-486G>A (NM_001379331.1, NM_001286403.2); short protein forms D206N, D207N, D183N.
Identifiers: ClinVar variation 317683 (VCV000317683.12), dbSNP rs771338224, ClinGen allele CA7899829.

ClinVar aggregate classification (germline): Uncertain significance. Review status: criteria provided, multiple submitters, no conflicts (2 of 4 stars). 3 submissions from 3 submitters: Uncertain significance (2). 1 of the submissions does not count toward it. Last evaluated 2022-09-13.

Conditions:
MHC class II deficiency. Also called: Bare lymphocyte syndrome 2; BLS, TYPE II. Identifiers: Orphanet 572, MedGen C5447452, MONDO:0008855.

Allele frequency attached by ClinVar (database versions not stated): gnomAD 0.00007; gnomAD exomes 0.00004 and 0.00003; TOPMed 0.00004; ExAC 0.00004.

Submissions (3):

Labcorp Genetics (formerly Invitae), Labcorp
Classification: Uncertain significance for MHC class II deficiency. Last evaluated: 2022-09-13. Review status: criteria provided, single submitter. Criteria: Invitae Variant Classification Sherloc (09022015). Collection method: clinical testing. Allele origin: germline.
Comment: This sequence change replaces aspartic acid, which is acidic and polar, with asparagine, which is neutral and polar, at codon 206 of the CIITA protein (p.Asp206Asn). This variant is present in population databases (rs771338224, gnomAD 0.02%). This variant has not been reported in the literature in individuals affected with CIITA-related conditions. ClinVar contains an entry for this variant (Variation ID: 317683). Algorithms developed to predict the effect of missense changes on protein structure and function output the following: SIFT: "Tolerated"; PolyPhen-2: "Benign"; Align-GVGD: "Class C0". The asparagine amino acid residue is found in multiple mammalian species, which suggests that this missense change does not adversely affect protein function. In summary, the available evidence is currently insufficient to determine the role of this variant in disease. Therefore, it has been classified as a Variant of Uncertain Significance.

Illumina Laboratory Services, Illumina
Classification: Uncertain significance for MHC class II deficiency 1. Last evaluated: 2018-01-13. Review status: criteria provided, single submitter. Criteria: ICSL Variant Classification Criteria 13 December 2019. Collection method: clinical testing. Allele origin: germline.

Natera, Inc.
Classification: Uncertain significance for Bare lymphocyte syndrome type II. Last evaluated: 2019-10-28. Review status: no assertion criteria provided. Collection method: clinical testing. Allele origin: germline. Not counted in ClinVar's aggregate classification.